The following is an entry in ClinVar:

NM_014141.6(CNTNAP2):c.2584G>A (p.Val862Met)

Gene: CNTNAP2 (contactin associated protein 2; plus strand). Cytogenetic location: 7q35.
Variant type: single nucleotide variant.
Coding change: c.2584G>A on transcript NM_014141.6 (MANE Select); coding-DNA position 2584, G replaced by A.
Protein change: p.Val862Met; replaces valine 862 with methionine.
Molecular consequence: missense variant.
Genome position (GRCh38, 1-based): chr7:148,147,520, G>A. VCF-style: chr7-148147520-G-A. GRCh37 (hg19) VCF-style: chr7-147844612-G-A.
Other names: short protein forms V862M.
Identifiers: ClinVar variation 3032159 (VCV003032159.2), dbSNP rs1805210126, ClinGen allele CA369927890.

ClinVar aggregate classification (germline): Uncertain significance (0 of 4 stars; one submission).

Conditions:
CNTNAP2-related disorder. Also called: CNTNAP2-related condition.

Allele frequency attached by ClinVar (database versions not stated): gnomAD exomes below 0.00001.
gnomAD v4.1: 3 of 1,614,074 alleles (0.00019%); highest among the groups gnomAD compares: Non-Finnish European, 0.00017%; no homozygotes.

Submission:

PreventionGenetics, part of Exact Sciences
Classification: Uncertain significance for CNTNAP2-related condition. Last evaluated: 2024-01-11. Review status: no assertion criteria provided. Collection method: clinical testing. Allele origin: germline.
Comment: The CNTNAP2 c.2584G>A variant is predicted to result in the amino acid substitution p.Val862Met. To our knowledge, this variant has not been reported in the literature or in a large population database, indicating this variant is rare. At this time, the clinical significance of this variant is uncertain due to the absence of conclusive functional and genetic evidence.